The following is an entry in ClinVar:

NM_001170629.2(CHD8):c.1215+4A>G

Gene: CHD8 (chromodomain helicase DNA binding protein 8; minus strand). Cytogenetic location: 14q11.2.
Variant type: single nucleotide variant.
Coding change: c.1215+4A>G on transcript NM_001170629.2 (MANE Select); 4 bases into the intron after coding-DNA position 1215, A replaced by G.
Molecular consequence: intron variant.
Genome position (GRCh38, 1-based): chr14:21,428,960, T>C on the plus strand (A>G on the coding strand, the complement: CHD8 is on the minus strand). VCF-style: chr14-21428960-T-C. GRCh37 (hg19) VCF-style: chr14-21897119-T-C.
Other names: c.378+4A>G (NM_020920.4).
Identifiers: ClinVar variation 2973467 (VCV002973467.3), dbSNP rs1664617637, ClinGen allele CA2122505955.
Genomic context (GRCh38, chr14:21,428,960, plus strand): 5'-GGGCAACAGCAATGGACTAAGTATTTTTGTTTTCTTTCTTTTCCTTACTATGTAAGTCTC[T>C]CACCTGTGGCTGCAGTACCACCTTGACTGGTACTGAAAGTCTTTGTCCTGGGCTTTGTCC-3'

ClinVar aggregate classification (germline): Uncertain significance (1 of 4 stars; one submission).

Submission:

Labcorp Genetics (formerly Invitae), Labcorp
Classification: Uncertain significance. Last evaluated: 2023-04-13. Review status: criteria provided, single submitter. Criteria: Invitae Variant Classification Sherloc (09022015). Collection method: clinical testing. Allele origin: germline.
Comment: This sequence change falls in intron 2 of the CHD8 gene. It does not directly change the encoded amino acid sequence of the CHD8 protein. It affects a nucleotide within the consensus splice site. This variant is not present in population databases (gnomAD no frequency). This variant has not been reported in the literature in individuals affected with CHD8-related conditions. Variants that disrupt the consensus splice site are a relatively common cause of aberrant splicing (PMID: 17576681, 9536098). Algorithms developed to predict the effect of sequence changes on RNA splicing suggest that this variant may disrupt the consensus splice site. In summary, the available evidence is currently insufficient to determine the role of this variant in disease. Therefore, it has been classified as a Variant of Uncertain Significance.

Literature cited by the submitters: PubMed 17576681; PubMed 9536098.